The following is an entry in ClinVar:

ClinVar aggregate classification (germline): Uncertain significance. Review status: criteria provided, multiple submitters, no conflicts (2 of 4 stars). 2 submissions from 2 submitters: Uncertain significance (2). Last evaluated 2025-04-23.

Conditions:
Cardiovascular phenotype. Identifiers: MedGen CN230736.
Alagille syndrome due to a JAG1 point mutation. Also called: HEPATIC DUCTULAR HYPOPLASIA, SYNDROMATIC; Alagille Syndrome 1; JAG1-Related Alagille Syndrome. Identifiers: Orphanet 261619, Orphanet 52, MedGen C1956125, MONDO:0016862, OMIM 118450.

gnomAD v4.1: 1 of 1,614,228 alleles (0.000062%); highest among the groups gnomAD compares: African/African-American, 0.0013%; no homozygotes.

Submissions (2):

Labcorp Genetics (formerly Invitae), Labcorp
Classification: Uncertain significance for Alagille syndrome due to a JAG1 point mutation. Last evaluated: 2025-04-23. Review status: criteria provided, single submitter. Criteria: Invitae Variant Classification Sherloc (09022015). Collection method: clinical testing. Allele origin: germline.
Comment: This sequence change replaces threonine, which is neutral and polar, with asparagine, which is neutral and polar, at codon 1112 of the JAG1 protein (p.Thr1112Asn). This variant is not present in population databases (gnomAD no frequency). This variant has not been reported in the literature in individuals affected with JAG1-related conditions. ClinVar contains an entry for this variant (Variation ID: 3531167). Invitae Evidence Modeling of protein sequence and biophysical properties (such as structural, functional, and spatial information, amino acid conservation, physicochemical variation, residue mobility, and thermodynamic stability) indicates that this missense variant is not expected to disrupt JAG1 protein function with a negative predictive value of 95%. In summary, the available evidence is currently insufficient to determine the role of this variant in disease. Therefore, it has been classified as a Variant of Uncertain Significance.

Ambry Genetics
Classification: Uncertain significance for Cardiovascular phenotype. Last evaluated: 2024-09-17. Review status: criteria provided, single submitter. Criteria: Ambry Variant Classification Scheme 2023. Collection method: clinical testing. Allele origin: germline.
Comment: The p.T1112N variant (also known as c.3335C>A), located in coding exon 26 of the JAG1 gene, results from a C to A substitution at nucleotide position 3335. The threonine at codon 1112 is replaced by asparagine, an amino acid with similar properties. This amino acid position is conserved. In addition, the in silico prediction for this alteration is inconclusive. Based on the available evidence, the clinical significance of this variant remains unclear.

NM_000214.3(JAG1):c.3335C>A (p.Thr1112Asn)

Gene: JAG1 (jagged canonical Notch ligand 1; minus strand). Cytogenetic location: 20p12.2.
Variant type: single nucleotide variant.
Coding change: c.3335C>A on transcript NM_000214.3 (MANE Select); coding-DNA position 3335, C replaced by A.
Protein change: p.Thr1112Asn; replaces threonine 1112 with asparagine.
Molecular consequence: missense variant.
Genome position (GRCh38, 1-based): chr20:10,639,820, G>T on the plus strand (C>A on the coding strand, the complement: JAG1 is on the minus strand). VCF-style: chr20-10639820-G-T. GRCh37 (hg19) VCF-style: chr20-10620468-G-T.
Other names: short protein forms T1112N.
Identifiers: ClinVar variation 3531167 (VCV003531167.2).